The following is an entry in ClinVar:

ClinVar aggregate classification (germline): Likely benign (1 of 4 stars; one submission).

Submission:

CeGaT Center for Human Genetics Tuebingen
Classification: Likely benign. Last evaluated: 2026-05-01. Review status: criteria provided, single submitter. Criteria: CeGaT Center For Human Genetics Tuebingen Variant Classification Criteria Version 2. Collection method: clinical testing. Allele origin: germline. Affected: yes. Observed: 1 variant allele.
Comment: PRKG1: PM2:Supporting, BP4, BP7

NM_006258.4(PRKG1):c.762+1277G>A

Gene: PRKG1 (protein kinase cGMP-dependent 1; plus strand). Cytogenetic location: 10q21.1.
Variant type: single nucleotide variant.
Coding change: c.762+1277G>A on transcript NM_006258.4 (MANE Select); 1277 bases into the intron after coding-DNA position 762, G replaced by A.
Molecular consequence: intron variant.
Genome position (GRCh38, 1-based): chr10:51,908,847, G>A. VCF-style: chr10-51908847-G-A. GRCh37 (hg19) VCF-style: chr10-53668607-G-A.
Other names: c.717+1277G>A (NM_001098512.3); c.762+1277G>A (NM_001374782.1).
Identifiers: ClinVar variation 4872097 (VCV004872097.2).